The following is an entry in ClinVar:

ClinVar aggregate classification (germline): Conflicting classifications of pathogenicity. Review status: criteria provided, conflicting classifications (1 of 4 stars). 8 submissions from 8 submitters: Uncertain significance (2); Likely benign (4). 2 of the submissions do not count toward it. Last evaluated 2026-01-26.

Conditions:
LAMA2-related disorder. Also called: LAMA2-related condition; LAMA2-related disorders.
LAMA2-related muscular dystrophy (LAMA2-RD). Also called: Laminin alpha 2-related dystrophy. Identifiers: MedGen C5679788, MONDO:0100228.

Allele frequency attached by ClinVar (database versions not stated): gnomAD exomes 0.00012 and 0.00029; ExAC 0.00039; 1000 Genomes Project 30x 0.00078; 1000 Genomes Project 0.00080; gnomAD 0.00096 and 0.00103; TOPMed 0.00125; ESP Exome Variant Server 0.00146.
gnomAD v4.1: 330 of 1,608,486 alleles (0.021%); highest among the groups gnomAD compares: African/African-American, 0.37%; no homozygotes.

Submissions (8):

Labcorp Genetics (formerly Invitae), Labcorp
Classification: Likely benign for LAMA2-related muscular dystrophy. Last evaluated: 2026-01-26. Review status: criteria provided, single submitter. Criteria: Invitae Variant Classification Sherloc (09022015). Collection method: clinical testing. Allele origin: germline.

Women's Health and Genetics/Laboratory Corporation of America, LabCorp
Classification: Likely benign. Last evaluated: 2024-12-24. Review status: criteria provided, single submitter. Criteria: LabCorp Variant Classification Summary - May 2015. Collection method: clinical testing. Allele origin: germline.
Comment: Variant summary: LAMA2 c.1814C>T (p.Thr605Ile) results in a non-conservative amino acid change located in the Laminin IV domain (IPR000034) of the encoded protein sequence. Two of four in-silico tools predict a benign effect of the variant on protein function. The variant allele was found at a frequency of 0.00029 in 251178 control chromosomes, predominantly at a frequency of 0.0041 within the African or African-American subpopulation in the gnomAD database (v2.1 dataset). The observed variant frequency within African or African-American control individuals in the gnomAD database is approximately 1.16-fold of the estimated maximal expected allele frequency for a pathogenic variant in LAMA2 causing Merosin deficient congenital muscular dystrophy phenotype (0.0035). To our knowledge, no occurrence of c.1814C>T in individuals affected with Merosin deficient congenital muscular dystrophy and no experimental evidence demonstrating its impact on protein function have been reported. ClinVar contains an entry for this variant (Variation ID: 380542). Based on the evidence outlined above, the variant was classified as likely benign.

Mayo Clinic Laboratories, Mayo Clinic
Classification: Uncertain significance. Last evaluated: 2024-03-19. Review status: criteria provided, single submitter. Criteria: ACMG Guidelines, 2015. Collection method: clinical testing. Allele origin: germline. Observed: 2 variant alleles.
Comment: BP4

Revvity Omics, Revvity
Classification: Likely benign. Last evaluated: 2023-07-20. Review status: criteria provided, single submitter. Criteria: ACMG Guidelines, 2015. Collection method: clinical testing. Allele origin: germline.

Athena Diagnostics
Classification: Uncertain significance. Last evaluated: 2019-11-06. Review status: criteria provided, single submitter. Criteria: Athena Diagnostics Criteria. Collection method: clinical testing. Allele origin: unknown.

GeneDx
Classification: Likely benign. Last evaluated: 2015-09-17. Review status: criteria provided, single submitter. Criteria: GeneDx Variant Classification (06012015). Collection method: clinical testing. Allele origin: germline. Affected: yes.
Comment: This variant is considered likely benign or benign based on one or more of the following criteria: it is a conservative change, it occurs at a poorly conserved position in the protein, it is predicted to be benign by multiple in silico algorithms, and/or has population frequency not consistent with disease.

PreventionGenetics, part of Exact Sciences
Classification: Likely benign for LAMA2-related condition. Last evaluated: 2023-01-13. Review status: no assertion criteria provided. Collection method: clinical testing. Allele origin: germline. Not counted in ClinVar's aggregate classification.
Comment: This variant is classified as likely benign based on ACMG/AMP sequence variant interpretation guidelines (Richards et al. 2015 PMID: 25741868, with internal and published modifications).

Department of Pathology and Laboratory Medicine, Sinai Health System
Classification: Uncertain significance. Review status: no assertion criteria provided. Collection method: clinical testing. Allele origin: unknown. Affected: yes. Study: The Canadian Open Genetics Repository (COGR). Not counted in ClinVar's aggregate classification.
Comment: The LAMA2 p.Thr605Ile variant was not identified in the literature nor was it identified in GeneInsight-COGR, Cosmic, and LOVD 3.0. The variant was identified in dbSNP (ID: rs112388307) and ClinVar (classified as likely benign by GeneDx). The variant was also identified in control databases in 99 of 282574 chromosomes at a frequency of 0.00035 (Genome Aggregation Database Feb 27, 2017). The variant was observed in the following populations: African in 90 of 24970 chromosomes (freq: 0.003604), Latino in 5 of 35432 chromosomes (freq: 0.000141), Other in 1 of 7216 chromosomes (freq: 0.000139), European (Finnish) in 1 of 25030 chromosomes (freq: 0.00004), European (non-Finnish) in 2 of 129026 chromosomes (freq: 0.000016), while the variant was not observed in the Ashkenazi Jewish, East Asian, and South Asian populations. The p.Thr605 residue is conserved in mammals and computational analyses (PolyPhen-2, SIFT, AlignGVGD, BLOSUM, MutationTaster) provide inconsistent predictions regarding the impact to the protein; this information is not very predictive of pathogenicity. The variant occurs outside of the splicing consensus sequence and in silico or computational prediction software programs (SpliceSiteFinder, MaxEntScan, NNSPLICE, GeneSplicer) do not predict a difference in splicing. In summary, based on the above information the clinical significance of this variant cannot be determined with certainty at this time. This variant is classified as a variant of uncertain significance.

NM_000426.4(LAMA2):c.1814C>T (p.Thr605Ile)

Gene: LAMA2 (laminin subunit alpha 2; plus strand). Cytogenetic location: 6q22.33.
Variant type: single nucleotide variant.
Coding change: c.1814C>T on transcript NM_000426.4 (MANE Select); coding-DNA position 1814, C replaced by T.
Protein change: p.Thr605Ile; replaces threonine 605 with isoleucine.
Molecular consequence: missense variant.
Genome position (GRCh38, 1-based): chr6:129,250,143, C>T. VCF-style: chr6-129250143-C-T. GRCh37 (hg19) VCF-style: chr6-129571288-C-T.
Other names: p.Thr605Ile; c.1814C>T, p.Thr605Ile (NM_001079823.2); short protein forms T605I.
Identifiers: ClinVar variation 380542 (VCV000380542.20), dbSNP rs112388307, ClinGen allele CA3992752.